The following is an entry in ClinVar:

NM_138694.4(PKHD1):c.4236G>A (p.Leu1412=)

Gene: PKHD1 (PKHD1 ciliary IPT domain containing fibrocystin/polyductin; minus strand). Cytogenetic location: 6p12.2.
Variant type: single nucleotide variant.
Coding change: c.4236G>A on transcript NM_138694.4 (MANE Select); coding-DNA position 4236, G replaced by A.
Protein change: p.Leu1412=; no amino-acid change (leucine 1412 retained).
Molecular consequence: synonymous variant.
Genome position (GRCh38, 1-based): chr6:52,025,574, C>T on the plus strand (G>A on the coding strand, the complement: PKHD1 is on the minus strand). VCF-style: chr6-52025574-C-T. GRCh37 (hg19) VCF-style: chr6-51890372-C-T.
Other names: c.4236G>A, p.Leu1412= (NM_170724.3); c.4236G>A (NM_138694.3).
Identifiers: ClinVar variation 1148879 (VCV001148879.15), dbSNP rs2128144470, ClinGen allele CA450614505.

ClinVar aggregate classification (germline): Likely benign. Review status: criteria provided, multiple submitters, no conflicts (2 of 4 stars). 3 submissions from 3 submitters: Likely benign (2). 1 of the submissions does not count toward it. Last evaluated 2026-01-22.

Conditions:
PKHD1-related disorder. Also called: PKHD1-related condition.
Autosomal recessive polycystic kidney disease (ARPKD). Also called: AR polycystic kidney disease. Identifiers: Orphanet 731, Orphanet 8378, MedGen C0085548, MeSH D017044, MONDO:0009889.

Submissions (3):

PreventionGenetics, part of Exact Sciences
Classification: Likely benign for PKHD1-related condition. Last evaluated: 2026-01-22. Review status: criteria provided, single submitter. Criteria: ACMG Guidelines, 2015. Collection method: clinical testing. Allele origin: germline.
Comment: This variant is classified as likely benign based on ACMG/AMP sequence variant interpretation guidelines (Richards et al. 2015 PMID: 25741868, with internal and published modifications).

Labcorp Genetics (formerly Invitae), Labcorp
Classification: Likely benign for Autosomal recessive polycystic kidney disease. Last evaluated: 2025-12-01. Review status: criteria provided, single submitter. Criteria: Invitae Variant Classification Sherloc (09022015). Collection method: clinical testing. Allele origin: germline.

Natera, Inc.
Classification: Likely benign for Autosomal recessive polycystic kidney disease. Last evaluated: 2019-04-26. Review status: no assertion criteria provided. Collection method: clinical testing. Allele origin: germline. Not counted in ClinVar's aggregate classification.